The following is an entry in ClinVar:

ClinVar aggregate classification (germline): Likely benign (0 of 4 stars; one submission).

Conditions:
PLXNA4-related disorder. Also called: PLXNA4-related condition.

gnomAD v4.1: 5 of 1,613,890 alleles (0.00031%); highest among the groups gnomAD compares: Admixed American, 0.0083%; no homozygotes.

Submission:

PreventionGenetics, part of Exact Sciences
Classification: Likely benign for PLXNA4-related condition. Last evaluated: 2024-05-20. Review status: no assertion criteria provided. Collection method: clinical testing. Allele origin: germline.
Comment: This variant is classified as likely benign based on ACMG/AMP sequence variant interpretation guidelines (Richards et al. 2015 PMID: 25741868, with internal and published modifications).

NM_020911.2(PLXNA4):c.1372-87038A>G

Gene: PLXNA4 (plexin A4; minus strand). Cytogenetic location: 7q32.3.
Variant type: single nucleotide variant.
Coding change: c.1372-87038A>G on transcript NM_020911.2 (MANE Select); 87038 bases into the intron before coding-DNA position 1372, A replaced by G.
Molecular consequence: intron variant. On other transcripts: synonymous variant (1).
Genome position (GRCh38, 1-based): chr7:132,385,260, T>C on the plus strand (A>G on the coding strand, the complement: PLXNA4 is on the minus strand). VCF-style: chr7-132385260-T-C. GRCh37 (hg19) VCF-style: chr7-132070019-T-C.
Other names: c.1407A>G, p.Leu469= (NM_001105543.2); c.1372-87038A>G (NM_001393897.1).
Identifiers: ClinVar variation 3355547 (VCV003355547.1).